The following is an entry in ClinVar:

NM_001134831.2(AHI1):c.3049A>G (p.Lys1017Glu)

Gene: AHI1 (Abelson helper integration site 1; minus strand). Cytogenetic location: 6q23.3.
Variant type: single nucleotide variant.
Coding change: c.3049A>G on transcript NM_001134831.2 (MANE Select); coding-DNA position 3049, A replaced by G.
Protein change: p.Lys1017Glu; replaces lysine 1017 with glutamic acid.
Molecular consequence: missense variant.
Genome position (GRCh38, 1-based): chr6:135,394,836, T>C on the plus strand (A>G on the coding strand, the complement: AHI1 is on the minus strand). VCF-style: chr6-135394836-T-C. GRCh37 (hg19) VCF-style: chr6-135715974-T-C.
Other names: c.3049A>G, p.Lys1017Glu (NM_001134830.2, NM_001134832.2, NM_001350503.2 and 2 more transcripts); short protein forms K1017E.
Identifiers: ClinVar variation 1042037 (VCV001042037.6), dbSNP rs1779002936, ClinGen allele CA365843737.

ClinVar aggregate classification (germline): Uncertain significance (1 of 4 stars; one submission).

Conditions:
Joubert syndrome. Also called: Familial aplasia of the vermis; CEREBELLOPARENCHYMAL DISORDER IV; JOUBERT-BOLTSHAUSER SYNDROME. Identifiers: Orphanet 475, MedGen C5979921, MONDO:0018772.

Allele frequency attached by ClinVar (database versions not stated): gnomAD exomes below 0.00001.
gnomAD v4.1: 4 of 1,607,770 alleles (0.00025%); highest among the groups gnomAD compares: Non-Finnish European, 0.00034%; no homozygotes.

Submission:

Labcorp Genetics (formerly Invitae), Labcorp
Classification: Uncertain significance for Joubert syndrome. Last evaluated: 2021-08-27. Review status: criteria provided, single submitter. Criteria: Invitae Variant Classification Sherloc (09022015). Collection method: clinical testing. Allele origin: germline.
Comment: This sequence change replaces lysine with glutamic acid at codon 1017 of the AHI1 protein (p.Lys1017Glu). The lysine residue is moderately conserved and there is a small physicochemical difference between lysine and glutamic acid. This variant is not present in population databases (ExAC no frequency). This variant has not been reported in the literature in individuals affected with AHI1-related conditions. Algorithms developed to predict the effect of missense changes on protein structure and function (SIFT, PolyPhen-2, Align-GVGD) all suggest that this variant is likely to be tolerated. In summary, the available evidence is currently insufficient to determine the role of this variant in disease. Therefore, it has been classified as a Variant of Uncertain Significance.